The following is an entry in ClinVar:

NM_015335.5(MED13L):c.5176A>G (p.Ile1726Val)

Gene: MED13L (mediator complex subunit 13L; minus strand). Cytogenetic location: 12q24.21.
Variant type: single nucleotide variant.
Coding change: c.5176A>G on transcript NM_015335.5 (MANE Select); coding-DNA position 5176, A replaced by G.
Protein change: p.Ile1726Val; replaces isoleucine 1726 with valine.
Molecular consequence: missense variant.
Genome position (GRCh38, 1-based): chr12:115,980,938, T>C on the plus strand (A>G on the coding strand, the complement: MED13L is on the minus strand). VCF-style: chr12-115980938-T-C. GRCh37 (hg19) VCF-style: chr12-116418743-T-C.
Other names: short protein forms I1726V.
Identifiers: ClinVar variation 2629362 (VCV002629362.1), dbSNP rs140835810, ClinGen allele CA6810639.

ClinVar aggregate classification (germline): Uncertain significance (1 of 4 stars; one submission).

Conditions:
MED13L-related disorder. Also called: MED13L-related condition.

Allele frequency attached by ClinVar (database versions not stated): gnomAD exomes below 0.00001; gnomAD 0.00001; ExAC 0.00002; TOPMed 0.00002; ESP Exome Variant Server 0.00008.
gnomAD v4.1: 7 of 1,609,334 alleles (0.00043%); highest among the groups gnomAD compares: East Asian, 0.0045%; no homozygotes.

Submission:

PreventionGenetics, part of Exact Sciences
Classification: Uncertain significance for MED13L-related condition. Last evaluated: 2023-03-28. Review status: criteria provided, single submitter. Criteria: ACMG Guidelines, 2015. Collection method: clinical testing. Allele origin: germline.
Comment: The MED13L c.5176A>G variant is predicted to result in the amino acid substitution p.Ile1726Val. To our knowledge, this variant has not been reported in the literature. This variant is reported in 0.0062% of alleles in individuals of African descent in gnomAD. Of note, in multiple species a valine (Val) is present at the p.Ile1726 residue. At this time, the clinical significance of this variant is uncertain due to the absence of conclusive functional and genetic evidence.